The following is an entry in ClinVar:

NM_002055.5(GFAP):c.307C>G (p.Gln103Glu)

Gene: GFAP (glial fibrillary acidic protein; minus strand). Cytogenetic location: 17q21.31.
Variant type: single nucleotide variant.
Coding change: c.307C>G on transcript NM_002055.5 (MANE Select); coding-DNA position 307, C replaced by G.
Protein change: p.Gln103Glu; replaces glutamine 103 with glutamic acid.
Molecular consequence: missense variant.
Genome position (GRCh38, 1-based): chr17:44,915,180, G>C on the plus strand (C>G on the coding strand, the complement: GFAP is on the minus strand). VCF-style: chr17-44915180-G-C. GRCh37 (hg19) VCF-style: chr17-42992548-G-C.
Other names: c.307C>G, p.Gln103Glu (NM_001131019.3, NM_001242376.3, NM_001363846.2); short protein forms Q103E.
Identifiers: ClinVar variation 4997139 (VCV004997139.1).

ClinVar aggregate classification (germline): Uncertain significance (1 of 4 stars; one submission).

Conditions:
GFAP-related disorder. Also called: GFAP-related condition; GFAP-related disorders.

gnomAD v4.1: 2 of 1,614,214 alleles (0.00012%); highest among the groups gnomAD compares: African/African-American, 0.0027%; no homozygotes.

Submission:

PreventionGenetics, part of Exact Sciences
Classification: Uncertain significance for GFAP-related condition. Last evaluated: 2025-01-04. Review status: criteria provided, single submitter. Criteria: ACMG Guidelines, 2015. Collection method: clinical testing. Allele origin: germline.
Comment: The GFAP c.307C>G variant is predicted to result in the amino acid substitution p.Gln103Glu. To our knowledge, this variant has not been reported in the literature or in a large population database (gnomAD), indicating it is rare. Neighboring missense variants have been reported in individuals with Alexander disease, implicating this region in pathogenicity (see for example, p.Asn102Lys, Yoshida et al. 2017. PubMed ID: 28448978). At this time, the clinical significance of c.307C>G (p.Gln103Glu) is uncertain due to the absence of conclusive functional and genetic evidence.